The following is an entry in ClinVar:

NM_001320.7(CSNK2B):c.408C>G (p.Tyr136Ter)

Gene: CSNK2B (casein kinase 2 beta; plus strand). Cytogenetic location: 6p21.33.
Variant type: single nucleotide variant.
Coding change: c.408C>G on transcript NM_001320.7 (MANE Select); coding-DNA position 408, C replaced by G.
Protein change: p.Tyr136Ter; replaces tyrosine 136 with a stop codon.
Molecular consequence: nonsense.
Genome position (GRCh38, 1-based): chr6:31,669,359, C>G. VCF-style: chr6-31669359-C-G. GRCh37 (hg19) VCF-style: chr6-31637136-C-G.
Other names: c.399C>G, p.Tyr133Ter (NM_001282385.2); short protein forms Y133*, Y136*.
Identifiers: ClinVar variation 3254741 (VCV003254741.9), dbSNP rs2536967665.

ClinVar aggregate classification (germline): Pathogenic. Review status: criteria provided, multiple submitters, no conflicts (2 of 4 stars). 2 submissions from 2 submitters: Pathogenic (2). Last evaluated 2025-07-01.

Conditions:
Poirier-Bienvenu neurodevelopmental syndrome (POBINDS). Identifiers: Orphanet 689397, MedGen C5231482, MONDO:0032889, OMIM 618732.

Submissions (2):

CeGaT Center for Human Genetics Tuebingen
Classification: Pathogenic. Last evaluated: 2025-07-01. Review status: criteria provided, single submitter. Criteria: CeGaT Center For Human Genetics Tuebingen Variant Classification Criteria Version 2. Collection method: clinical testing. Allele origin: germline. Affected: yes. Observed: 1 variant allele.
Comment: CSNK2B: PVS1, PM2, PS2:Supporting

Victorian Clinical Genetics Services, Murdoch Childrens Research Institute
Classification: Pathogenic for Poirier-Bienvenu neurodevelopmental syndrome. Last evaluated: 2023-07-17. Review status: criteria provided, single submitter. Criteria: ACMG Guidelines, 2015. Collection method: clinical testing. Allele origin: germline. Inheritance: Autosomal dominant inheritance. Affected: yes.
Comment: Based on the classification scheme VCGS_Germline_v1.3.4, this variant is classified as Pathogenic. Following criteria are met: 0102 - Loss of function is a known mechanism of disease in this gene and is associated with Poirier-Bienvenu neurodevelopmental syndrome (MIM#618732). (I) 0107 - This gene is associated with autosomal dominant disease. (I) 0201 - Variant is predicted to cause nonsense-mediated decay (NMD) and loss of protein (premature termination codon is located at least 54 nucleotides upstream of the final exon-exon junction). (SP) 0251 - This variant is heterozygous. (I) 0301 - Variant is absent from gnomAD (both v2 and v3). (SP) 0701 - Other NMD-predicted variants comparable to the one identified in this case have very strong previous evidence for pathogenicity (DECIPHER). (SP) 0807 - This variant has no previous evidence of pathogenicity. (I) 0905 - No published segregation evidence has been identified for this variant. (I) 1007 - No published functional evidence has been identified for this variant. (SP) Legend: (SP) - Supporting pathogenic, (I) - Information, (SB) - Supporting benign